The following is an entry in ClinVar:

ClinVar aggregate classification (germline): Uncertain significance (1 of 4 stars; one submission).

Submission:

Labcorp Genetics (formerly Invitae), Labcorp
Classification: Uncertain significance. Last evaluated: 2025-08-16. Review status: criteria provided, single submitter. Criteria: Invitae Variant Classification Sherloc (09022015). Collection method: clinical testing. Allele origin: germline.
Comment: This sequence change replaces methionine, which is neutral and non-polar, with isoleucine, which is neutral and non-polar, at codon 416 of the CACNA1F protein (p.Met416Ile). This variant is present in population databases (no rsID available, gnomAD 0.01%). This variant has not been reported in the literature in individuals affected with CACNA1F-related conditions. Invitae Evidence Modeling of protein sequence and biophysical properties (such as structural, functional, and spatial information, amino acid conservation, physicochemical variation, residue mobility, and thermodynamic stability) indicates that this missense variant is not expected to disrupt CACNA1F protein function with a negative predictive value of 80%. In summary, the available evidence is currently insufficient to determine the role of this variant in disease. Therefore, it has been classified as a Variant of Uncertain Significance.

NM_001256789.3(CACNA1F):c.1248G>T (p.Met416Ile)

Gene: CACNA1F (calcium voltage-gated channel subunit alpha1 F; minus strand). Cytogenetic location: Xp11.23.
Variant type: single nucleotide variant.
Coding change: c.1248G>T on transcript NM_001256789.3 (MANE Select); coding-DNA position 1248, G replaced by T.
Protein change: p.Met416Ile; replaces methionine 416 with isoleucine.
Molecular consequence: missense variant.
Genome position (GRCh38, 1-based): chrX:49,226,998, C>A on the plus strand (G>T on the coding strand, the complement: CACNA1F is on the minus strand). VCF-style: chrX-49226998-C-A. GRCh37 (hg19) VCF-style: chrX-49083460-C-A.
Other names: c.1053G>T, p.Met351Ile (NM_001256790.3); c.1248G>T, p.Met416Ile (NM_005183.4); short protein forms M416I, M351I.
Identifiers: ClinVar variation 4743016 (VCV004743016.1).